The following is an entry in ClinVar:

NM_005502.4(ABCA1):c.3892A>T (p.Ile1298Leu)

Gene: ABCA1 (ATP binding cassette subfamily A member 1; minus strand). Cytogenetic location: 9q31.1.
Variant type: single nucleotide variant.
Coding change: c.3892A>T on transcript NM_005502.4 (MANE Select); coding-DNA position 3892, A replaced by T.
Protein change: p.Ile1298Leu; replaces isoleucine 1298 with leucine.
Molecular consequence: missense variant.
Genome position (GRCh38, 1-based): chr9:104,814,127, T>A on the plus strand (A>T on the coding strand, the complement: ABCA1 is on the minus strand). VCF-style: chr9-104814127-T-A. GRCh37 (hg19) VCF-style: chr9-107576408-T-A.
Other names: short protein forms I1298L.
Identifiers: ClinVar variation 1735906 (VCV001735906.4), dbSNP rs539279965, ClinGen allele CA5168300.

ClinVar aggregate classification (germline): Conflicting classifications of pathogenicity. Review status: criteria provided, conflicting classifications (1 of 4 stars). 2 submissions from 2 submitters: Uncertain significance (1); Likely benign (1). Last evaluated 2026-01-26.

Conditions:
Cardiovascular phenotype. Identifiers: MedGen CN230736.

Allele frequency attached by ClinVar (database versions not stated): 1000 Genomes Project 30x 0.00016; gnomAD 0.00001; ExAC 0.00003; 1000 Genomes Project 0.00020; TOPMed 0.00002.
gnomAD v4.1: 26 of 1,614,186 alleles (0.0016%); highest among the groups gnomAD compares: South Asian, 0.027%; no homozygotes.

Submissions (2):

Labcorp Genetics (formerly Invitae), Labcorp
Classification: Likely benign. Last evaluated: 2026-01-26. Review status: criteria provided, single submitter. Criteria: Invitae Variant Classification Sherloc (09022015). Collection method: clinical testing. Allele origin: germline.

Ambry Genetics
Classification: Uncertain significance for Cardiovascular phenotype. Last evaluated: 2022-02-08. Review status: criteria provided, single submitter. Criteria: Ambry Variant Classification Scheme 2023. Collection method: clinical testing. Allele origin: germline.
Comment: The p.I1298L variant (also known as c.3892A>T), located in coding exon 26 of the ABCA1 gene, results from an A to T substitution at nucleotide position 3892. The isoleucine at codon 1298 is replaced by leucine, an amino acid with highly similar properties. This amino acid position is conserved. In addition, this alteration is predicted to be tolerated by in silico analysis. Since supporting evidence is limited at this time, the clinical significance of this alteration remains unclear.